The following is an entry in ClinVar:

NM_004168.4(SDHA):c.34A>G (p.Ser12Gly)

Gene: SDHA (succinate dehydrogenase complex flavoprotein subunit A; plus strand). Cytogenetic location: 5p15.33.
Variant type: single nucleotide variant.
Coding change: c.34A>G on transcript NM_004168.4 (MANE Select); coding-DNA position 34, A replaced by G.
Protein change: p.Ser12Gly; replaces serine 12 with glycine.
Molecular consequence: missense variant.
Genome position (GRCh38, 1-based): chr5:218,389, A>G. VCF-style: chr5-218389-A-G. GRCh37 (hg19) VCF-style: chr5-218504-A-G.
Other names: c.34A>G, p.Ser12Gly (NM_001294332.2, NM_001330758.2); short protein forms S12G.
Identifiers: ClinVar variation 942959 (VCV000942959.13), dbSNP rs1734501874, ClinGen allele CA359007330.

ClinVar aggregate classification (germline): Conflicting classifications of pathogenicity. Review status: criteria provided, conflicting classifications (1 of 4 stars). 2 submissions from 2 submitters: Uncertain significance (1); Likely benign (1). Last evaluated 2026-02-11.

Conditions:
Hereditary cancer-predisposing syndrome. Also called: Hereditary Cancer Syndrome; Neoplastic Syndromes, Hereditary; Tumor predisposition; Hereditary neoplastic syndrome. Identifiers: Orphanet 140162, MedGen C0027672, MeSH D009386, MONDO:0015356.
Mitochondrial complex II deficiency, nuclear type 1. Also called: SUCCINATE CoQ REDUCTASE DEFICIENCY. Identifiers: Orphanet 3208, MedGen C5700310, MONDO:0100294, OMIM 252011.
Pheochromocytoma/paraganglioma syndrome 5. Also called: Paragangliomas 5; SDHA-Related Hereditary Paraganglioma-Pheochromocytoma Syndrome. Identifiers: Orphanet 29072, MedGen C3279992, MONDO:0013602, OMIM 614165.

Submissions (2):

Ambry Genetics
Classification: Likely benign for Hereditary cancer-predisposing syndrome. Last evaluated: 2026-02-11. Review status: criteria provided, single submitter. Criteria: Ambry Variant Classification Scheme 2023. Collection method: clinical testing. Allele origin: germline.

Labcorp Genetics (formerly Invitae), Labcorp
Classification: Uncertain significance for Pheochromocytoma/paraganglioma syndrome 5; Mitochondrial complex II deficiency, nuclear type 1. Last evaluated: 2019-09-26. Review status: criteria provided, single submitter. Criteria: Invitae Variant Classification Sherloc (09022015). Collection method: clinical testing. Allele origin: germline.
Comment: This sequence change replaces serine with glycine at codon 12 of the SDHA protein (p.Ser12Gly). The serine residue is weakly conserved and there is a small physicochemical difference between serine and glycine. This variant is not present in population databases (ExAC no frequency). This variant has not been reported in the literature in individuals with SDHA-related conditions. Algorithms developed to predict the effect of missense changes on protein structure and function output the following: SIFT: "Tolerated"; PolyPhen-2: "Possibly Damaging"; Align-GVGD: "Class C0". The glycine amino acid residue is found in multiple mammalian species, suggesting that this missense change does not adversely affect protein function. These predictions have not been confirmed by published functional studies and their clinical significance is uncertain. In summary, the available evidence is currently insufficient to determine the role of this variant in disease. Therefore, it has been classified as a Variant of Uncertain Significance.